The following is an entry in ClinVar:

ClinVar aggregate classification (germline): Uncertain significance (1 of 4 stars; one submission).

Submission:

Women's Health and Genetics/Laboratory Corporation of America, LabCorp
Classification: Uncertain significance. Last evaluated: 2025-09-12. Review status: criteria provided, single submitter. Criteria: LabCorp Variant Classification Summary - May 2015. Collection method: clinical testing. Allele origin: germline.
Comment: Variant summary: CHD4 c.927+6_927+7insCA alters non-conserved nucleotides located close to a canonical splice site and therefore could affect mRNA splicing, leading to a significantly altered protein sequence. Consensus agreement among computation tools predict no significant impact on normal splicing. However, these predictions have yet to be confirmed by functional studies. The variant was absent in 212554 control chromosomes. The available data on variant occurrences in the general population are insufficient to allow any conclusion about variant significance. To our knowledge, no occurrence of c.927+6_927+7insCA in individuals affected with CHD4-related conditions and no experimental evidence demonstrating its impact on protein function have been reported. No submitters have cited clinical-significance assessments for this variant to ClinVar. Based on the evidence outlined above, the variant was classified as uncertain significance.

NM_001273.5(CHD4):c.927+6_927+7insAC

Gene: CHD4 (chromodomain helicase DNA binding protein 4; minus strand). Cytogenetic location: 12p13.31.
Variant type: Insertion.
Coding change: c.927+6_927+7insAC on transcript NM_001273.5 (MANE Select); bases 6 to 7 of the intron after coding-DNA position 927, AC inserted.
Molecular consequence: intron variant.
Genome position: GRCh38 VCF-style: chr12-6600919-C-CTG. GRCh37 (hg19) VCF-style: chr12-6710085-C-CTG.
Other names: c.927+6_927+7insCA (NM_001273.5); c.927+6_927+7insAC (NM_001363606.2); c.906+6_906+7insAC (NM_001297553.2).
Identifiers: ClinVar variation 4535562 (VCV004535562.1).